The following is an entry in ClinVar:

ClinVar aggregate classification (germline): Uncertain significance (1 of 4 stars; one submission).

gnomAD v4.1: 1 of 1,614,176 alleles (0.000062%); highest among the groups gnomAD compares: East Asian, 0.0022%; no homozygotes.

Submission:

Labcorp Genetics (formerly Invitae), Labcorp
Classification: Uncertain significance. Last evaluated: 2022-03-10. Review status: criteria provided, single submitter. Criteria: Invitae Variant Classification Sherloc (09022015). Collection method: clinical testing. Allele origin: germline.
Comment: Algorithms developed to predict the effect of missense changes on protein structure and function (SIFT, PolyPhen-2, Align-GVGD) all suggest that this variant is likely to be tolerated. In summary, the available evidence is currently insufficient to determine the role of this variant in disease. Therefore, it has been classified as a Variant of Uncertain Significance. This variant has not been reported in the literature in individuals affected with RDH5-related conditions. This variant is present in population databases (no rsID available, gnomAD 0.006%). This sequence change replaces glutamine, which is neutral and polar, with glutamic acid, which is acidic and polar, at codon 249 of the RDH5 protein (p.Gln249Glu).

NM_002905.5(RDH5):c.745C>G (p.Gln249Glu)

Genes: BLOC1S1-RDH5 (BLOC1S1-RDH5 readthrough; plus strand), CD63 (CD63 molecule; minus strand), RDH5 (retinol dehydrogenase 5; plus strand). Cytogenetic location: 12q13.2.
Variant type: single nucleotide variant.
Coding change: c.745C>G on transcript NM_002905.5 (MANE Select); coding-DNA position 745, C replaced by G.
Protein change: p.Gln249Glu; replaces glutamine 249 with glutamic acid.
Molecular consequence: missense variant. On other transcripts: non-coding transcript variant (1), 3 prime UTR variant (2).
Genome position (GRCh38, 1-based): chr12:55,724,333, C>G. VCF-style: chr12-55724333-C-G. GRCh37 (hg19) VCF-style: chr12-56118117-C-G.
Other names: c.745C>G, p.Gln249Glu (NM_001199771.3); c.*731G>C (NM_001413284.1); c.*746G>C (NM_001413285.1); short protein forms Q249E.
Identifiers: ClinVar variation 1925821 (VCV001925821.3), dbSNP rs903282271, ClinGen allele CA385203018.